The following is an entry in ClinVar:

NM_000089.4(COL1A2):c.758G>T (p.Gly253Val)

Gene: COL1A2 (collagen type I alpha 2 chain; plus strand). Cytogenetic location: 7q21.3.
Variant type: single nucleotide variant.
Coding change: c.758G>T on transcript NM_000089.4 (MANE Select); coding-DNA position 758, G replaced by T.
Protein change: p.Gly253Val; replaces glycine 253 with valine.
Molecular consequence: missense variant.
Genome position (GRCh38, 1-based): chr7:94,408,789, G>T. VCF-style: chr7-94408789-G-T. GRCh37 (hg19) VCF-style: chr7-94038101-G-T.
Other names: short protein forms G253V.
Identifiers: ClinVar variation 872907 (VCV000872907.4), dbSNP rs72656385, ClinGen allele CA368220466.

ClinVar aggregate classification (germline): Pathogenic. Review status: criteria provided, single submitter (1 of 4 stars). 2 submissions from 2 submitters: Pathogenic (1). 1 of the submissions does not count toward it. Last evaluated 2025-01-23.

Conditions:
Osteogenesis imperfecta with normal sclerae, dominant form (OI4). Also called: OSTEOGENESIS IMPERFECTA WITH NORMAL SCLERAE; Common Variable Osteogenesis Imperfecta with Normal Sclerae; OSTEOGENESIS IMPERFECTA, TYPE IV, WITH DENTINOGENESIS IMPERFECTA; Osteogenesis Imperfecta Type IV; Osteogenesis imperfecta type 4. Identifiers: Orphanet 216820, Orphanet 666, MedGen C0268363, MONDO:0008148, OMIM 166220.
Ehlers-Danlos syndrome, classic type, 1 (EDSCL1). Also called: Ehlers-Danlos syndrome, type 1; EHLERS-DANLOS SYNDROME, GRAVIS TYPE; EHLERS-DANLOS SYNDROME, SEVERE CLASSIC TYPE; Ehlers-Danlos Syndrome, Classic Type, COL5A1-Related; EDS I. Identifiers: MedGen C0268335, MONDO:0019567, OMIM 130000.
Osteogenesis imperfecta type I (OI1). Also called: Lobstein's Disease; OI, TYPE I; OSTEOGENESIS IMPERFECTA TARDA; OSTEOGENESIS IMPERFECTA WITH BLUE SCLERAE; Classic Non-deforming Osteogenesis Imperfecta with Blue Sclerae; Lobstein disease. Identifiers: Orphanet 216796, Orphanet 666, MedGen C0023931, MONDO:0008146, OMIM 166200. Disease mechanism: loss of function.

Submissions (2):

Labcorp Genetics (formerly Invitae), Labcorp
Classification: Pathogenic for Osteogenesis imperfecta type I; Ehlers-Danlos syndrome, classic type, 1. Last evaluated: 2025-01-23. Review status: criteria provided, single submitter. Criteria: Invitae Variant Classification Sherloc (09022015). Collection method: clinical testing. Allele origin: germline.
Comment: This sequence change replaces glycine, which is neutral and non-polar, with valine, which is neutral and non-polar, at codon 253 of the COL1A2 protein (p.Gly253Val). This variant is not present in population databases (gnomAD no frequency). This missense change has been observed in individual(s) with clinical features of osteogenesis imperfecta (PMID: 32989910, 34091789; internal data). ClinVar contains an entry for this variant (Variation ID: 872907). Invitae Evidence Modeling of protein sequence and biophysical properties (such as structural, functional, and spatial information, amino acid conservation, physicochemical variation, residue mobility, and thermodynamic stability) indicates that this missense variant is expected to disrupt COL1A2 protein function with a positive predictive value of 95%. This variant disrupts the triple helix domain of COL1A2. Glycine residues within the Gly-Xaa-Yaa repeats of the triple helix domain are required for the structure and stability of fibrillar collagens (PMID: 7695699, 8218237, 19344236). In COL1A2, variants affecting these glycine residues are significantly enriched in individuals with disease (PMID: 9016532, 17078022) compared to the general population (ExAC). This variant disrupts the p.Gly253 amino acid residue in COL1A2. Other variant(s) that disrupt this residue have been observed in individuals with COL1A2-related conditions (PMID: 30715774), which suggests that this may be a clinically significant amino acid residue. For these reasons, this variant has been classified as Pathogenic.

Center of Excellence in Precision Medicine and Digital Health (CEPMDH), Faculty of Dentistry, Chulalongkorn University
Classification: Pathogenic for Osteogenesis imperfecta with normal sclerae, dominant form. Last evaluated: 2017-08-03. Review status: no assertion criteria provided. Collection method: clinical testing. Allele origin: paternal. Inheritance: Autosomal dominant inheritance. Affected: yes. Observed: 2 variant alleles. Not counted in ClinVar's aggregate classification.

Literature cited by the submitters: PubMed 32989910 (cited by Labcorp Genetics (formerly Invitae), Labcorp); PubMed 34091789 (cited by Labcorp Genetics (formerly Invitae), Labcorp); PubMed 7695699 (cited by Labcorp Genetics (formerly Invitae), Labcorp); PubMed 8218237 (cited by Labcorp Genetics (formerly Invitae), Labcorp); PubMed 19344236 (cited by Labcorp Genetics (formerly Invitae), Labcorp); PubMed 9016532 (cited by Labcorp Genetics (formerly Invitae), Labcorp); PubMed 17078022 (cited by Labcorp Genetics (formerly Invitae), Labcorp); PubMed 30715774 (cited by Labcorp Genetics (formerly Invitae), Labcorp).